The following is an entry in ClinVar:

ClinVar aggregate classification (germline): Likely benign (0 of 4 stars; one submission).

Conditions:
SMPD1-related disorder. Also called: SMPD1-related condition.

Submission:

PreventionGenetics, part of Exact Sciences
Classification: Likely benign for SMPD1-related condition. Last evaluated: 2022-12-06. Review status: no assertion criteria provided. Collection method: clinical testing. Allele origin: germline.
Comment: This variant is classified as likely benign based on ACMG/AMP sequence variant interpretation guidelines (Richards et al. 2015 PMID: 25741868, with internal and published modifications).

NM_000543.5(SMPD1):c.1263A>G (p.Lys421=)

Gene: SMPD1 (sphingomyelin phosphodiesterase 1; plus strand). Cytogenetic location: 11p15.4.
Variant type: single nucleotide variant.
Coding change: c.1263A>G on transcript NM_000543.5 (MANE Select); coding-DNA position 1263, A replaced by G.
Protein change: p.Lys421=; no amino-acid change (lysine 421 retained).
Molecular consequence: synonymous variant. On other transcripts: non-coding transcript variant (1), intron variant (1).
Genome position (GRCh38, 1-based): chr11:6,393,387, A>G. VCF-style: chr11-6393387-A-G. GRCh37 (hg19) VCF-style: chr11-6414617-A-G.
Other names: c.1260A>G, p.Lys420= (NM_001007593.3); c.1263A>G, p.Lys421= (NM_001318087.2); c.342A>G, p.Lys114= (NM_001318088.2); c.1132-230A>G (NM_001365135.2).
Identifiers: ClinVar variation 3048432 (VCV003048432.2), dbSNP rs2493814661, ClinGen allele CA472736789.